The following is an entry in ClinVar:

ClinVar aggregate classification (germline): Uncertain significance. Review status: criteria provided, multiple submitters, no conflicts (2 of 4 stars). 6 submissions from 6 submitters: Uncertain significance (5). 1 of the submissions does not count toward it. Last evaluated 2025-06-24.

Conditions:
Hereditary cancer-predisposing syndrome. Also called: Hereditary Cancer Syndrome; Neoplastic Syndromes, Hereditary; Tumor predisposition; Hereditary neoplastic syndrome. Identifiers: Orphanet 140162, MedGen C0027672, MeSH D009386, MONDO:0015356.
Fanconi anemia complementation group J. Also called: BRIP1-Related Fanconi Anemia. Identifiers: Orphanet 84, MedGen C1836860, MONDO:0012187, OMIM 609054.
Familial cancer of breast. Also called: Hereditary breast cancer; hereditary breast carcinoma; BREAST CANCER, FAMILIAL. Identifiers: Orphanet 227535, MedGen C0346153, MONDO:0016419, OMIM 114480. Disease mechanism: loss of function.

Allele frequency attached by ClinVar (database versions not stated): gnomAD 0.00001; TOPMed 0.00002; gnomAD exomes below 0.00001.
gnomAD v4.1: 6 of 1,613,908 alleles (0.00037%); highest among the groups gnomAD compares: Non-Finnish European, 0.00051%; no homozygotes.

Submissions (6):

Labcorp Genetics (formerly Invitae), Labcorp
Classification: Uncertain significance for Familial cancer of breast; Fanconi anemia complementation group J. Last evaluated: 2025-06-24. Review status: criteria provided, single submitter. Criteria: Invitae Variant Classification Sherloc (09022015). Collection method: clinical testing. Allele origin: germline.
Comment: This sequence change replaces aspartic acid, which is acidic and polar, with valine, which is neutral and non-polar, at codon 791 of the BRIP1 protein (p.Asp791Val). This variant is not present in population databases (gnomAD no frequency). This missense change has been observed in individual(s) with ovarian cancer and breast cancer (PMID: 26315354, 31822495). ClinVar contains an entry for this variant (Variation ID: 231061). Invitae Evidence Modeling of protein sequence and biophysical properties (such as structural, functional, and spatial information, amino acid conservation, physicochemical variation, residue mobility, and thermodynamic stability) has been performed for this missense variant. However, the output from this modeling did not meet the statistical confidence thresholds required to predict the impact of this variant on BRIP1 protein function. Experimental studies have shown that this missense change affects BRIP1 function (PMID: 31822495). In summary, the available evidence is currently insufficient to determine the role of this variant in disease. Therefore, it has been classified as a Variant of Uncertain Significance.

Ambry Genetics
Classification: Uncertain significance for Hereditary cancer-predisposing syndrome. Last evaluated: 2024-11-18. Review status: criteria provided, single submitter. Criteria: Ambry Variant Classification Scheme 2023. Collection method: clinical testing. Allele origin: germline.
Comment: The p.D791V variant (also known as c.2372A>T), located in coding exon 15 of the BRIP1 gene, results from an A to T substitution at nucleotide position 2372. The aspartic acid at codon 791 is replaced by valine, an amino acid with highly dissimilar properties. In one study, this alteration was observed in 1/3236 cases with invasive epithelial ovarian cancer and 0/3431 controls (Ramus SJ et al. J. Natl. Cancer Inst., 2015 Nov;107:). In an inter-strand cross link damage survival assay, the p.D791V alteration was found to be functionally hypomorphic (Moyer CL et al. Cancer Res. 2020 Feb;80:857-867). This amino acid position is well conserved in available vertebrate species. In addition, this alteration is predicted to be deleterious by in silico analysis. Based on the available evidence, the clinical significance of this variant remains unclear.

Quest Diagnostics Nichols Institute San Juan Capistrano
Classification: Uncertain significance. Last evaluated: 2024-07-18. Review status: criteria provided, single submitter. Criteria: Quest Diagnostics criteria. Collection method: clinical testing. Allele origin: unknown.
Comment: The BRIP1 c.2372A>T (p.Asp791Val) variant has been reported in the published literature in individuals with early onset breast cancer (PMID: 31822495 (2020)) and ovarian cancer (PMID: 26315354 (2015)). Functional assessment suggest this variant is damaging to protein function (PMID: 31822495 (2020)). The frequency of this variant in the general population, 0.000013 (2/152210 chromosomes (Genome Aggregation Database)), is uninformative in the assessment of its pathogenicity. Analysis of this variant using bioinformatics tools for the prediction of the effect of amino acid changes on protein structure and function yielded predictions that this variant is damaging. Based on the available information, we are unable to determine the clinical significance of this variant.

Color Diagnostics, LLC DBA Color Health
Classification: Uncertain significance for Hereditary cancer-predisposing syndrome. Last evaluated: 2024-01-08. Review status: criteria provided, single submitter. Criteria: ACMG Guidelines, 2015. Collection method: clinical testing. Allele origin: germline.
Comment: This missense variant replaces aspartic acid with valine at codon 791 of the BRIP1 protein. Computational prediction suggests that this variant may have deleterious impact on protein structure and function. Functional studies have shown that this variant altered the protein's ability to repair interstrand cross-link damage (PMID: 31822495). This variant has been reported in an individual affected with ovarian cancer (PMID: 26315354) and an individual affected with early-onset breast cancer (PMID: 31822495). This variant has not been identified in the general population by the Genome Aggregation Database (gnomAD). The available evidence is insufficient to determine the role of this variant in disease conclusively. Therefore, this variant is classified as a Variant of Uncertain Significance.

GeneDx
Classification: Uncertain significance. Last evaluated: 2018-09-05. Review status: criteria provided, single submitter. Criteria: GeneDx Variant Classification (06012015). Collection method: clinical testing. Allele origin: germline. Affected: yes.
Comment: This variant is denoted BRIP1 c.2372A>T at the cDNA level, p.Asp791Val (D791V) at the protein level, and results in the change of an Aspartic Acid to a Valine (GAT>GTT). This variant has been observed in at least one individual with serous ovarian cancer (Ramus 2015). BRIP1 Asp791Val was not observed in large population cohorts (Lek 2016). This variant is not located in a known functional domain. In silico analysis, which includes protein predictors and evolutionary conservation, supports a deleterious effect. Based on currently available evidence, it is unclear whether BRIP1 Asp791Val is a pathogenic or benign variant. We consider it to be a variant of uncertain significance.

King Laboratory, University of Washington
Classification: Benign. Last evaluated: 2019-09-01. Review status: no assertion criteria provided. Collection method: research. Allele origin: germline. Affected: yes. Not counted in ClinVar's aggregate classification.
Comment: Transcript analysis by cBROCA

Literature cited by the submitters: PubMed 26315354 (cited by 4 submitters); PubMed 31822495 (cited by 4 submitters); PubMed 31843900 (cited by King Laboratory, University of Washington).

NM_032043.3(BRIP1):c.2372A>T (p.Asp791Val)

Gene: BRIP1 (BRCA1 interacting DNA helicase 1; minus strand). Cytogenetic location: 17q23.2.
Variant type: single nucleotide variant.
Coding change: c.2372A>T on transcript NM_032043.3 (MANE Select); coding-DNA position 2372, A replaced by T.
Protein change: p.Asp791Val; replaces aspartic acid 791 with valine.
Molecular consequence: missense variant.
Genome position (GRCh38, 1-based): chr17:61,743,020, T>A on the plus strand (A>T on the coding strand, the complement: BRIP1 is on the minus strand). VCF-style: chr17-61743020-T-A. GRCh37 (hg19) VCF-style: chr17-59820381-T-A.
Other names: short protein forms D791V.
Identifiers: ClinVar variation 231061 (VCV000231061.26), dbSNP rs876658934, ClinGen allele CA10580807.